The following is an entry in ClinVar:

NM_001013703.4(EIF2AK4):c.1018-3C>T

Gene: EIF2AK4 (eukaryotic translation initiation factor 2 alpha kinase 4; plus strand). Cytogenetic location: 15q15.1.
Variant type: single nucleotide variant.
Coding change: c.1018-3C>T on transcript NM_001013703.4 (MANE Select); 3 bases into the intron before coding-DNA position 1018, C replaced by T.
Molecular consequence: intron variant.
Genome position (GRCh38, 1-based): chr15:39,967,341, C>T. VCF-style: chr15-39967341-C-T. GRCh37 (hg19) VCF-style: chr15-40259542-C-T.
Identifiers: ClinVar variation 1402199 (VCV001402199.6), dbSNP rs1173629418, ClinGen allele CA617216189.
Genomic context (GRCh38, chr15:39,967,341, plus strand): 5'-AAATGAAACCCAAGTTAATGTTGACTGGCCCAATATTCTTTTTTTTTTTTTTTAACTTAT[C>T]AGATTCAAGGAACAGAAACAGAATTCAACTCACTGGTAAAATTGAGCCATCCAAATGTAG-3'

ClinVar aggregate classification (germline): Uncertain significance (1 of 4 stars; one submission).

Submission:

Labcorp Genetics (formerly Invitae), Labcorp
Classification: Uncertain significance. Last evaluated: 2021-06-21. Review status: criteria provided, single submitter. Criteria: Invitae Variant Classification Sherloc (09022015). Collection method: clinical testing. Allele origin: germline.
Comment: In summary, the available evidence is currently insufficient to determine the role of this variant in disease. Therefore, it has been classified as a Variant of Uncertain Significance. Nucleotide substitutions within the consensus splice site are a relatively common cause of aberrant splicing (PMID: 17576681, 9536098). Algorithms developed to predict the effect of sequence changes on RNA splicing suggest that this variant is not likely to affect RNA splicing, but this prediction has not been confirmed by published transcriptional studies. This variant has not been reported in the literature in individuals with EIF2AK4-related conditions. This variant is not present in population databases (ExAC no frequency). This sequence change falls in intron 8 of the EIF2AK4 gene. It does not directly change the encoded amino acid sequence of the EIF2AK4 protein. It affects a nucleotide within the consensus splice site of the intron.

Literature cited by the submitters: PubMed 17576681; PubMed 9536098.